The following is an entry in ClinVar:

ClinVar aggregate classification (germline): Uncertain significance (1 of 4 stars; one submission).

Conditions:
Multiple endocrine neoplasia, type 2 (MEN2). Identifiers: Orphanet 653, MedGen C4048306, MONDO:0019003. Disease mechanism: gain of function.

Submission:

Labcorp Genetics (formerly Invitae), Labcorp
Classification: Uncertain significance for Multiple endocrine neoplasia, type 2. Last evaluated: 2022-07-22. Review status: criteria provided, single submitter. Criteria: Invitae Variant Classification Sherloc (09022015). Collection method: clinical testing. Allele origin: germline.
Comment: In summary, the available evidence is currently insufficient to determine the role of this variant in disease. Therefore, it has been classified as a Variant of Uncertain Significance. Algorithms developed to predict the effect of missense changes on protein structure and function are either unavailable or do not agree on the potential impact of this missense change (SIFT: "Deleterious"; PolyPhen-2: "Possibly Damaging"; Align-GVGD: "Class C0"). This variant has not been reported in the literature in individuals affected with RET-related conditions. This variant is not present in population databases (gnomAD no frequency). This sequence change replaces aspartic acid, which is acidic and polar, with tyrosine, which is neutral and polar, at codon 91 of the RET protein (p.Asp91Tyr).

NM_020975.6(RET):c.271G>T (p.Asp91Tyr)

Gene: RET (ret proto-oncogene; plus strand). Cytogenetic location: 10q11.21.
Variant type: single nucleotide variant.
Coding change: c.271G>T on transcript NM_020975.6 (MANE Select); coding-DNA position 271, G replaced by T.
Protein change: p.Asp91Tyr; replaces aspartic acid 91 with tyrosine.
Molecular consequence: missense variant.
Genome position (GRCh38, 1-based): chr10:43,100,656, G>T. VCF-style: chr10-43100656-G-T. GRCh37 (hg19) VCF-style: chr10-43596104-G-T.
Other names: c.271G>T, p.Asp91Tyr (NM_000323.2, NM_001406743.1, NM_001406744.1 and 34 more transcripts); short protein forms D91Y.
Identifiers: ClinVar variation 1909905 (VCV001909905.5), dbSNP rs2132663341, ClinGen allele CA376770456.
Genomic context (GRCh38, chr10:43,100,656, plus strand): 5'-CATCTCTACGGCACGTACCGCACACGGCTGCATGAGAACAACTGGATCTGCATCCAGGAG[G>T]ACACCGGCCTCCTCTACCTTAACCGGAGCCTGGACCATAGCTCCTGGGAGAAGCTCAGTG-3'
Protein context (NP_066124.1, residues 81-101): HENNWICIQE[Asp91Tyr]TGLLYLNRSL